The following is an entry in ClinVar:

ClinVar aggregate classification (germline): Uncertain significance (1 of 4 stars; one submission).

Submission:

GeneDx
Classification: Uncertain significance. Last evaluated: 2023-12-13. Review status: criteria provided, single submitter. Criteria: GeneDx Variant Classification Process June 2021. Collection method: clinical testing. Allele origin: germline. Affected: yes.
Comment: Not observed at significant frequency in large population cohorts (gnomAD); In silico analysis supports that this missense variant has a deleterious effect on protein structure/function; Has not been previously published as pathogenic or benign to our knowledge

NM_181552.4(CUX1):c.3854C>T (p.Thr1285Ile)

Gene: CUX1 (cut like homeobox 1; plus strand). Cytogenetic location: 7q22.1.
Variant type: single nucleotide variant.
Coding change: c.3854C>T on transcript NM_181552.4 (MANE Select); coding-DNA position 3854, C replaced by T.
Protein change: p.Thr1285Ile; replaces threonine 1285 with isoleucine.
Molecular consequence: missense variant. On other transcripts: intron variant (5).
Genome position (GRCh38, 1-based): chr7:102,239,551, C>T. VCF-style: chr7-102239551-C-T. GRCh37 (hg19) VCF-style: chr7-101882831-C-T.
Other names: c.3887C>T, p.Thr1296Ile (NM_001202543.2); c.1256-33815C>T (NM_001913.5); c.1250-33815C>T (NM_181500.4); c.1118-33815C>T (NM_001202545.3); c.1208-33815C>T (NM_001202544.3); c.1139-33815C>T (NM_001202546.3); short protein forms T1285I, T1296I.
Identifiers: ClinVar variation 3365705 (VCV003365705.1).
Genomic context (GRCh38, chr7:102,239,551, plus strand): 5'-AAAAGCCATACCCGTCACCAAAAACCATCGAAGACCTCGCCACCCAGCTCAACCTGAAAA[C>T]CAGCACCGTCATCAACTGGTTCCACAACTACAGGTACGACGGCTGGCTCACAGGGAGCGC-3'
Protein context (NP_853530.2, residues 1275-1295): EDLATQLNLK[Thr1285Ile]STVINWFHNY